The following is an entry in ClinVar:

NM_014141.6(CNTNAP2):c.2136C>A (p.Asn712Lys)

Gene: CNTNAP2 (contactin associated protein 2; plus strand). Cytogenetic location: 7q35.
Variant type: single nucleotide variant.
Coding change: c.2136C>A on transcript NM_014141.6 (MANE Select); coding-DNA position 2136, C replaced by A.
Protein change: p.Asn712Lys; replaces asparagine 712 with lysine.
Molecular consequence: missense variant.
Genome position (GRCh38, 1-based): chr7:147,903,602, C>A. VCF-style: chr7-147903602-C-A. GRCh37 (hg19) VCF-style: chr7-147600694-C-A.
Other names: p.N712K:AAC>AAA; short protein forms N712K.
Identifiers: ClinVar variation 205257 (VCV000205257.7), dbSNP rs187552025, ClinGen allele CA314148.

ClinVar aggregate classification (germline): Uncertain significance. Review status: criteria provided, multiple submitters, no conflicts (2 of 4 stars). 2 submissions from 2 submitters: Uncertain significance (2). Last evaluated 2022-07-29.

Conditions:
Cortical dysplasia-focal epilepsy syndrome (PTHSL1). Also called: Pitt-Hopkins-like syndrome 1. Identifiers: Orphanet 163681, Orphanet 221150, MedGen C2750246, MONDO:0012400, OMIM 610042.

Allele frequency attached by ClinVar (database versions not stated): TOPMed 0.00002.
gnomAD v4.1: 11 of 1,614,008 alleles (0.00068%); highest among the groups gnomAD compares: African/African-American, 0.0053%; no homozygotes.

Submissions (2):

Labcorp Genetics (formerly Invitae), Labcorp
Classification: Uncertain significance for Cortical dysplasia-focal epilepsy syndrome. Last evaluated: 2022-07-29. Review status: criteria provided, single submitter. Criteria: Invitae Variant Classification Sherloc (09022015). Collection method: clinical testing. Allele origin: germline.
Comment: This sequence change replaces asparagine, which is neutral and polar, with lysine, which is basic and polar, at codon 712 of the CNTNAP2 protein (p.Asn712Lys). This variant is present in population databases (no rsID available, gnomAD 0.003%). This variant has not been reported in the literature in individuals affected with CNTNAP2-related conditions. ClinVar contains an entry for this variant (Variation ID: 205257). Algorithms developed to predict the effect of missense changes on protein structure and function are either unavailable or do not agree on the potential impact of this missense change (SIFT: "Deleterious"; PolyPhen-2: "Benign"; Align-GVGD: "Class C65"). In summary, the available evidence is currently insufficient to determine the role of this variant in disease. Therefore, it has been classified as a Variant of Uncertain Significance.

GeneDx
Classification: Uncertain significance. Last evaluated: 2014-03-11. Review status: criteria provided, single submitter. Criteria: GeneDx Variant Classification (06012015). Collection method: clinical testing. Allele origin: germline. Affected: yes.
Comment: p.Asn712Lys (AAC>AAA): c.2136 C>A in exon 14 of the CNTNAP2 gene (NM_014141.5). The N712K variant has not been published as a mutation, nor has it been reported as a benign polymorphism to our knowledge. It was not observed in approximately 6,500 individuals of European and African American ancestry in the NHLBI Exome Sequencing Project, indicating it is not a common benign variant in these populations. The N712K variant is a semi-conservative amino acid substitution, which may impact secondary protein structure as these residues differ in some properties. Additionally, this substitution occurs at a position that is conserved across species. However, in silico analysis is inconsistent in its predictions as to whether or not the variant is damaging to the protein structure/function. Therefore, based on the currently available information, it is unclear whether this variant is a pathogenic mutation or a rare benign variant. The variant is found in EPILEPSY panel(s).